The following is an entry in ClinVar:

ClinVar aggregate classification (germline): Benign/Likely benign. Review status: criteria provided, multiple submitters, no conflicts (2 of 4 stars). 11 submissions from 11 submitters: Benign (8); Likely benign (1). 2 of the submissions do not count toward it. Last evaluated 2026-02-04.

Conditions:
Fructose-biphosphatase deficiency (FBP1D). Also called: Fructose-1,6-Bisphosphatase 1 Deficiency; Fructose 1,6 Bisphosphatase Deficiency; Fructose-1,6-Diphosphatase Deficiency. Identifiers: Orphanet 348, MedGen C0016756, MONDO:0009251, OMIM 229700.

Allele frequency attached by ClinVar (database versions not stated): gnomAD exomes 0.84739 and 0.86250; ExAC 0.86373; ESP Exome Variant Server 0.88528; gnomAD 0.88534 and 0.88821; TOPMed 0.89601; 1000 Genomes Project 30x 0.90709; 1000 Genomes Project 0.90715.
gnomAD v4.1: 1,374,051 of 1,613,744 alleles (85%); highest among the groups gnomAD compares: African/African-American, 97%; 586,219 homozygotes.

Submissions (11):

Labcorp Genetics (formerly Invitae), Labcorp
Classification: Benign for Fructose-biphosphatase deficiency. Last evaluated: 2026-02-04. Review status: criteria provided, single submitter. Criteria: Invitae Variant Classification Sherloc (09022015). Collection method: clinical testing. Allele origin: germline.

Blueprint Genetics
Classification: Likely benign. Last evaluated: 2024-11-27. Review status: criteria provided, single submitter. Criteria: ACMG Guidelines, 2015. Collection method: clinical testing. Allele origin: germline.

Mayo Clinic Laboratories, Mayo Clinic
Classification: Benign. Last evaluated: 2022-05-05. Review status: criteria provided, single submitter. Criteria: ACMG Guidelines, 2015. Collection method: clinical testing. Allele origin: germline. Observed: 983 variant alleles.

Genome-Nilou Lab
Classification: Benign for Fructose-biphosphatase deficiency. Last evaluated: 2021-08-10. Review status: criteria provided, single submitter. Criteria: ACMG Guidelines, 2015. Collection method: clinical testing. Allele origin: germline. Affected: no.

Fulgent Genetics
Classification: Benign for Fructose-biphosphatase deficiency. Last evaluated: 2021-07-07. Review status: criteria provided, single submitter. Criteria: ACMG Guidelines, 2015. Collection method: clinical testing. Allele origin: unknown.

Illumina Laboratory Services, Illumina
Classification: Benign for Fructose-biphosphatase deficiency. Last evaluated: 2018-01-12. Review status: criteria provided, single submitter. Criteria: ICSL Variant Classification Criteria 13 December 2019. Collection method: clinical testing. Allele origin: germline.
Comment: This variant was observed in the ICSL laboratory as part of a predisposition screen in an ostensibly healthy population. It had not been previously curated by ICSL or reported in the Human Gene Mutation Database (HGMD: prior to June 1st, 2018), and was therefore a candidate for classification through an automated scoring system. Utilizing variant allele frequency, disease prevalence and penetrance estimates, and inheritance mode, an automated score was calculated to assess if this variant is too frequent to cause the disease. Based on the score and internal cut-off values, a variant classified as benign is not then subjected to further curation. The score for this variant resulted in a classification of benign for this disease.

GeneDx
Classification: Benign. Last evaluated: 2015-03-03. Review status: criteria provided, single submitter. Criteria: GeneDx Variant Classification Process June 2021. Collection method: clinical testing. Allele origin: germline. Affected: yes.

Breakthrough Genomics
Classification: Benign. Review status: criteria provided, single submitter. Criteria: ACMG Guidelines, 2015. Collection method: not provided. Allele origin: germline. Inheritance: Autosomal recessive inheritance. Affected: yes.

PreventionGenetics, part of Exact Sciences
Classification: Benign. Review status: criteria provided, single submitter. Criteria: ACMG Guidelines, 2015. Collection method: clinical testing. Allele origin: germline.

Diagnostic Laboratory, Department of Genetics, University Medical Center Groningen
Classification: Benign. Review status: no assertion criteria provided. Collection method: clinical testing. Allele origin: germline. Affected: yes. Study: VKGL Data-share Consensus. Not counted in ClinVar's aggregate classification.

Joint Genome Diagnostic Labs from Nijmegen and Maastricht, Radboudumc and MUMC+
Classification: Benign. Review status: no assertion criteria provided. Collection method: clinical testing. Allele origin: germline. Affected: yes. Study: VKGL Data-share Consensus. Not counted in ClinVar's aggregate classification.

NM_000507.4(FBP1):c.960A>G (p.Gly320=)

Gene: FBP1 (fructose-bisphosphatase 1; minus strand). Cytogenetic location: 9q22.32.
Variant type: single nucleotide variant.
Coding change: c.960A>G on transcript NM_000507.4 (MANE Select); coding-DNA position 960, A replaced by G.
Protein change: p.Gly320=; no amino-acid change (glycine 320 retained).
Molecular consequence: synonymous variant.
Genome position (GRCh38, 1-based): chr9:94,603,438, T>C on the plus strand (A>G on the coding strand, the complement: FBP1 is on the minus strand). VCF-style: chr9-94603438-T-C. GRCh37 (hg19) VCF-style: chr9-97365720-T-C.
Other names: p.Gly320=; c.960A>G, p.Gly320= (NM_001127628.2).
Identifiers: ClinVar variation 256326 (VCV000256326.26), dbSNP rs1769257, ClinGen allele CA5136067.